The following is an entry in ClinVar:

ClinVar aggregate classification (germline): Uncertain significance. Review status: criteria provided, multiple submitters, no conflicts (2 of 4 stars). 2 submissions from 2 submitters: Uncertain significance (2). Last evaluated 2026-07-16.

Conditions:
Multiple endocrine neoplasia, type 1 (MEN1). Also called: MEN I; WERMER SYNDROME; Endocrine adenomatosis multiple; MEN 1; MEA I. Identifiers: Orphanet 652, MedGen C0025267, MeSH D018761, MONDO:0007540, OMIM 131100.
Hereditary cancer-predisposing syndrome. Also called: Neoplastic Syndromes, Hereditary; Tumor predisposition; Hereditary Cancer Syndrome; Hereditary neoplastic syndrome. Identifiers: Orphanet 140162, MedGen C0027672, MeSH D009386, MONDO:0015356.

Submissions (2):

Ambry Genetics
Classification: Uncertain significance for Hereditary cancer-predisposing syndrome. Last evaluated: 2026-07-16. Review status: criteria provided, single submitter. Criteria: Ambry Variant Classification Scheme 2023. Collection method: clinical testing. Allele origin: germline.
Comment: The p.F410V variant (also known as c.1228T>G), located in coding exon 8 of the MEN1 gene, results from a T to G substitution at nucleotide position 1228. The phenylalanine at codon 410 is replaced by valine, an amino acid with highly similar properties. This amino acid position is conserved. In addition, this alteration is predicted to be deleterious by in silico analysis. Since supporting evidence is limited at this time, the clinical significance of this alteration remains unclear.

All of Us Research Program, National Institutes of Health
Classification: Uncertain significance for Multiple endocrine neoplasia, type 1. Last evaluated: 2024-04-16. Review status: criteria provided, single submitter. Criteria: ACMG Guidelines, 2015. Collection method: clinical testing. Allele origin: germline. Inheritance: Autosomal dominant inheritance. Observed: 1 variant allele, 1 heterozygote.
Comment: This missense variant replaces phenylalanine with valine at codon 410 of the MEN1 protein. Computational prediction suggests that this variant may have deleterious impact on protein structure and function (internally defined REVEL score threshold >= 0.7, PMID: 27666373). To our knowledge, functional studies have not been reported for this variant. This variant has not been reported in individuals affected with MEN1-related disorders in the literature. This variant has not been identified in the general population by the Genome Aggregation Database (gnomAD). The available evidence is insufficient to determine the role of this variant in disease conclusively. Therefore, this variant is classified as a Variant of Uncertain Significance.

This study involves interpretation of variants in research participants for the purpose of population health screening. Participant phenotype was not available at the time of variant classification. Additional details can be found in publication PMID: 35346344, PMCID: PMC8962531

NM_001370259.2(MEN1):c.1228T>G (p.Phe410Val)

Gene: MEN1 (menin 1; minus strand). Cytogenetic location: 11q13.1.
Variant type: single nucleotide variant.
Coding change: c.1228T>G on transcript NM_001370259.2 (MANE Select); coding-DNA position 1228, T replaced by G.
Protein change: p.Phe410Val; replaces phenylalanine 410 with valine.
Molecular consequence: missense variant. On other transcripts: non-coding transcript variant (4), intron variant (1).
Genome position (GRCh38, 1-based): chr11:64,805,156, A>C on the plus strand (T>G on the coding strand, the complement: MEN1 is on the minus strand). VCF-style: chr11-64805156-A-C. GRCh37 (hg19) VCF-style: chr11-64572628-A-C.
Other names: c.1243T>G, p.Phe415Val (NM_001407145.1, NM_130800.3, NM_130801.3 and 4 more transcripts); c.1228T>G, p.Phe410Val (NM_001407146.1, NM_001407147.1, NM_130799.3 and 2 more transcripts); c.1123T>G, p.Phe375Val (NM_001407148.1, NM_001407149.1, NM_001370262.2 and 1 more transcripts); c.1369T>G, p.Phe457Val (NM_001407150.1); c.1249T>G, p.Phe417Val (NM_001407151.1); c.1186-340T>G (NM_001407152.1); c.1354T>G, p.Phe452Val (NM_001370251.2, NM_001407142.1, NM_001407143.1 and 1 more transcripts); short protein forms F375V, F410V, F415V, F417V, F452V, F457V.
Identifiers: ClinVar variation 3229052 (VCV003229052.3), dbSNP rs1941619609, ClinGen allele CA381180660.